The following is an entry in ClinVar:

ClinVar aggregate classification (germline): Uncertain significance (1 of 4 stars; one submission).

Submission:

GeneDx
Classification: Uncertain significance. Last evaluated: 2020-02-06. Review status: criteria provided, single submitter. Criteria: GeneDx Variant Classification Process June 2021. Collection method: clinical testing. Allele origin: germline. Affected: yes.
Comment: Not observed in large population cohorts (Lek et al., 2016); In silico analysis supports that this missense variant does not alter protein structure/function; Has not been previously published as pathogenic or benign to our knowledge

NM_005886.3(KATNB1):c.1210C>G (p.Pro404Ala)

Gene: KATNB1 (katanin regulatory subunit B1; plus strand). Cytogenetic location: 16q21.
Variant type: single nucleotide variant.
Coding change: c.1210C>G on transcript NM_005886.3 (MANE Select); coding-DNA position 1210, C replaced by G.
Protein change: p.Pro404Ala; replaces proline 404 with alanine.
Molecular consequence: missense variant.
Genome position (GRCh38, 1-based): chr16:57,753,977, C>G. VCF-style: chr16-57753977-C-G. GRCh37 (hg19) VCF-style: chr16-57787889-C-G.
Other names: short protein forms P404A.
Identifiers: ClinVar variation 1315168 (VCV001315168.2), dbSNP rs2148795750, ClinGen allele CA396071950.